The following is an entry in ClinVar:

ClinVar aggregate classification (germline): Uncertain significance (1 of 4 stars; one submission).

Conditions:
MPI-related disorder. Also called: MPI-related condition.

Submission:

PreventionGenetics, part of Exact Sciences
Classification: Uncertain significance for MPI-related condition. Last evaluated: 2026-05-06. Review status: criteria provided, single submitter. Criteria: ACMG Guidelines, 2015. Collection method: clinical testing. Allele origin: germline.
Comment: The MPI c.234C>A variant is predicted to result in the amino acid substitution p.Asn78Lys. To our knowledge, this variant has not been reported in the literature. This variant is reported in 0.00088% of alleles in individuals of European (Non-Finnish) descent in gnomAD. At this time, the clinical significance of this variant is uncertain due to the absence of conclusive functional and genetic evidence.

NM_002435.3(MPI):c.234C>A (p.Asn78Lys)

Gene: MPI (mannose phosphate isomerase; plus strand). Cytogenetic location: 15q24.1.
Variant type: single nucleotide variant.
Coding change: c.234C>A on transcript NM_002435.3 (MANE Select); coding-DNA position 234, C replaced by A.
Protein change: p.Asn78Lys; replaces asparagine 78 with lysine.
Molecular consequence: missense variant.
Genome position (GRCh38, 1-based): chr15:74,891,468, C>A. VCF-style: chr15-74891468-C-A. GRCh37 (hg19) VCF-style: chr15-75183809-C-A.
Other names: c.234C>A, p.Asn78Lys (NM_001289155.2, NM_001289157.2); c.84C>A, p.Asn28Lys (NM_001289156.2); c.174C>A, p.Asn58Lys (NM_001330372.2); short protein forms N28K, N58K, N78K.
Identifiers: ClinVar variation 4983417 (VCV004983417.1).